The following is an entry in ClinVar:

ClinVar aggregate classification (germline): Likely benign (1 of 4 stars; one submission).

Allele frequency attached by ClinVar (database versions not stated): gnomAD 0.00005 and 0.00006; gnomAD exomes 0.00006; TOPMed 0.00006; ExAC 0.00014.
gnomAD v4.1: 80 of 1,604,920 alleles (0.005%); highest among the groups gnomAD compares: East Asian, 0.031%; no homozygotes.

Submission:

GeneDx
Classification: Likely benign. Last evaluated: 2020-03-02. Review status: criteria provided, single submitter. Criteria: GeneDx Variant Classification Process June 2021. Collection method: clinical testing. Allele origin: germline. Affected: yes.
Comment: See Variant Classification Assertion Criteria.

NM_000552.5(VWF):c.3675-14G>A

Gene: VWF (von Willebrand factor; minus strand). Cytogenetic location: 12p13.31.
Variant type: single nucleotide variant.
Coding change: c.3675-14G>A on transcript NM_000552.5 (MANE Select); 14 bases into the intron before coding-DNA position 3675, G replaced by A.
Molecular consequence: intron variant.
Genome position (GRCh38, 1-based): chr12:6,019,757, C>T on the plus strand (G>A on the coding strand, the complement: VWF is on the minus strand). VCF-style: chr12-6019757-C-T. GRCh37 (hg19) VCF-style: chr12-6128923-C-T.
Identifiers: ClinVar variation 1678752 (VCV001678752.2), dbSNP rs1369248196, ClinGen allele CA6402701.